The following is an entry in ClinVar:

NM_173086.5(KRT6C):c.1434C>T (p.Gly478=)

Gene: KRT6C (keratin 6C; minus strand). Cytogenetic location: 12q13.13.
Variant type: single nucleotide variant.
Coding change: c.1434C>T on transcript NM_173086.5 (MANE Select); coding-DNA position 1434, C replaced by T.
Protein change: p.Gly478=; no amino-acid change (glycine 478 retained).
Molecular consequence: synonymous variant.
Genome position (GRCh38, 1-based): chr12:52,469,436, G>A on the plus strand (C>T on the coding strand, the complement: KRT6C is on the minus strand). VCF-style: chr12-52469436-G-A. GRCh37 (hg19) VCF-style: chr12-52863220-G-A.
Other names: c.1434C>T (NM_173086.4).
Identifiers: ClinVar variation 2722165 (VCV002722165.5), dbSNP rs11170142, ClinGen allele CA6581106.

ClinVar aggregate classification (germline): Benign. Review status: criteria provided, single submitter (1 of 4 stars). 2 submissions from 2 submitters: Benign (1). 1 of the submissions does not count toward it. Last evaluated 2025-08-07.

Conditions:
KRT6C-related disorder. Also called: KRT6C-related condition.

Allele frequency attached by ClinVar (database versions not stated): ExAC 0.00028; 1000 Genomes Project 30x 0.00172; TOPMed 0.00013; 1000 Genomes Project 0.00220; ESP Exome Variant Server 0.00015; gnomAD 0.00040.
gnomAD v4.1: 1,366 of 1,613,948 alleles (0.085%); highest among the groups gnomAD compares: East Asian, 2.7%; 32 homozygotes.

Submissions (2):

Labcorp Genetics (formerly Invitae), Labcorp
Classification: Benign. Last evaluated: 2025-08-07. Review status: criteria provided, single submitter. Criteria: Invitae Variant Classification Sherloc (09022015). Collection method: clinical testing. Allele origin: germline.

PreventionGenetics, part of Exact Sciences
Classification: Likely benign for KRT6C-related condition. Last evaluated: 2019-05-13. Review status: no assertion criteria provided. Collection method: clinical testing. Allele origin: germline. Not counted in ClinVar's aggregate classification.
Comment: This variant is classified as likely benign based on ACMG/AMP sequence variant interpretation guidelines (Richards et al. 2015 PMID: 25741868, with internal and published modifications).